The following is an entry in ClinVar:

ClinVar aggregate classification (germline): Uncertain significance (1 of 4 stars; one submission).

Submission:

GeneDx
Classification: Uncertain significance. Last evaluated: 2023-11-20. Review status: criteria provided, single submitter. Criteria: GeneDx Variant Classification Process June 2021. Collection method: clinical testing. Allele origin: germline. Affected: yes.
Comment: Not observed at significant frequency in large population cohorts (gnomAD); Canonical splice site variant with an unclear effect on protein function; Has not been previously published as pathogenic or benign to our knowledge

NM_015057.5(MYCBP2):c.594+1G>C

Gene: MYCBP2 (MYC binding protein 2; minus strand). Cytogenetic location: 13q22.3.
Variant type: single nucleotide variant.
Coding change: c.594+1G>C on transcript NM_015057.5 (MANE Select); the canonical splice donor site of the intron after coding-DNA position 594, G replaced by C.
Molecular consequence: splice donor variant.
Genome position (GRCh38, 1-based): chr13:77,288,160, C>G on the plus strand (G>C on the coding strand, the complement: MYCBP2 is on the minus strand). VCF-style: chr13-77288160-C-G. GRCh37 (hg19) VCF-style: chr13-77862295-C-G.
Identifiers: ClinVar variation 3364438 (VCV003364438.1).